The following is an entry in ClinVar:

NM_017934.7(PHIP):c.354T>G (p.Val118=)

Gene: PHIP (PHIP subunit of CUL4-Ring ligase complex; minus strand). Cytogenetic location: 6q14.1.
Variant type: single nucleotide variant.
Coding change: c.354T>G on transcript NM_017934.7 (MANE Select); coding-DNA position 354, T replaced by G.
Protein change: p.Val118=; no amino-acid change (valine 118 retained).
Molecular consequence: synonymous variant.
Genome position (GRCh38, 1-based): chr6:79,060,563, A>C on the plus strand (T>G on the coding strand, the complement: PHIP is on the minus strand). VCF-style: chr6-79060563-A-C. GRCh37 (hg19) VCF-style: chr6-79770280-A-C.
Identifiers: ClinVar variation 4983891 (VCV004983891.1).

ClinVar aggregate classification (germline): Likely benign (1 of 4 stars; one submission).

Conditions:
PHIP-related disorder. Also called: PHIP-related condition; PHIP-related disorders.

gnomAD v4.1: 1 of 1,613,622 alleles (0.000062%); highest among the groups gnomAD compares: African/African-American, 0.0013%; no homozygotes.

Submission:

PreventionGenetics, part of Exact Sciences
Classification: Likely benign for PHIP-related condition. Last evaluated: 2024-11-15. Review status: criteria provided, single submitter. Criteria: ACMG Guidelines, 2015. Collection method: clinical testing. Allele origin: germline.
Comment: This variant is classified as likely benign based on ACMG/AMP sequence variant interpretation guidelines (Richards et al. 2015 PMID: 25741868, with internal and published modifications).